The following is an entry in ClinVar:

NC_012920.1(MT-TG):m.9991A>G

Gene: MT-TG (mitochondrially encoded tRNA glycine; plus strand).
Variant type: single nucleotide variant.
Genome position: chrM-9991-A-G.
Identifiers: ClinVar variation 690086 (VCV000690086.1), dbSNP rs1603222612, ClinGen allele CA913182432.

ClinVar aggregate classification (germline): Likely benign (1 of 4 stars; one submission).

Conditions:
MELAS syndrome (MELAS). Also called: Juvenile myopathy, encephalopathy, lactic acidosis, stroke. Identifiers: Orphanet 550, MedGen C0162671, MONDO:0010789, OMIM 540000.

Submission:

Wong Mito Lab, Molecular and Human Genetics, Baylor College of Medicine
Classification: Likely benign for MELAS syndrome. Last evaluated: 2019-07-12. Review status: criteria provided, single submitter. Criteria: Modified ACMG Guidelines (Unpublished). Collection method: clinical testing. Allele origin: germline.
Comment: The NC_012920.1:m.9991A>G variant in MT-TG gene is interpreted to be a Likely Benign variant based on the modified ACMG guidelines (unpublished). This variant meets the following evidence codes reported in the guidelines: BP5, BP6

Literature cited by the submitters: PubMed 31965079.